The following is an entry in ClinVar:

NM_153460.4(IL17RC):c.88G>A (p.Ala30Thr)

Gene: IL17RC (interleukin 17 receptor C; plus strand). Cytogenetic location: 3p25.3.
Variant type: single nucleotide variant.
Coding change: c.88G>A on transcript NM_153460.4 (MANE Select); coding-DNA position 88, G replaced by A.
Protein change: p.Ala30Thr; replaces alanine 30 with threonine.
Molecular consequence: missense variant. On other transcripts: non-coding transcript variant (1).
Genome position (GRCh38, 1-based): chr3:9,917,403, G>A. VCF-style: chr3-9917403-G-A. GRCh37 (hg19) VCF-style: chr3-9959087-G-A.
Other names: c.88G>A (NM_153461.3); c.88G>A, p.Ala30Thr (NM_001203263.2, NM_001203264.2, NM_001203265.2 and 6 more transcripts); short protein forms A30T.
Identifiers: ClinVar variation 2814302 (VCV002814302.4), dbSNP rs756868871, ClinGen allele CA351753178.
Genomic context (GRCh38, chr3:9,917,403, plus strand): 5'-TTGGCACTGGGCCGAAGCCCAGTGGTCCTTTCTCTGGAGAGGCTTGTGGGGCCTCAGGAC[G>A]CTACCCACTGCTCTCCGGTGAGTCTGGAACCCTGGGGAGACGAGGAAAGGCTCAGGGTTC-3'
Protein context (NP_703190.2, residues 20-40): SLERLVGPQD[Ala30Thr]THCSPGLSCR

ClinVar aggregate classification (germline): Conflicting classifications of pathogenicity. Review status: criteria provided, conflicting classifications (1 of 4 stars). 2 submissions from 2 submitters: Uncertain significance (1); Likely benign (1). Last evaluated 2025-09-21.

Conditions:
Candidiasis, familial, 9 (CANDF9). Identifiers: Orphanet 1334, MedGen C4225324, MONDO:0014642, OMIM 616445.

Allele frequency attached by ClinVar (database versions not stated): TOPMed 0.00002; gnomAD 0.00001.
gnomAD v4.1: 6 of 1,614,044 alleles (0.00037%); highest among the groups gnomAD compares: East Asian, 0.0022%; no homozygotes.

Submissions (2):

Labcorp Genetics (formerly Invitae), Labcorp
Classification: Uncertain significance for Candidiasis, familial, 9. Last evaluated: 2025-09-21. Review status: criteria provided, single submitter. Criteria: Invitae Variant Classification Sherloc (09022015). Collection method: clinical testing. Allele origin: germline.
Comment: This sequence change replaces alanine, which is neutral and non-polar, with threonine, which is neutral and polar, at codon 30 of the IL17RC protein (p.Ala30Thr). This variant is not present in population databases (gnomAD no frequency). This variant has not been reported in the literature in individuals affected with IL17RC-related conditions. ClinVar contains an entry for this variant (Variation ID: 2814302). An algorithm developed to predict the effect of missense changes on protein structure and function outputs the following: PolyPhen-2: "Possibly Damaging". The threonine amino acid residue is found in multiple mammalian species, which suggests that this missense change does not adversely affect protein function. In summary, the available evidence is currently insufficient to determine the role of this variant in disease. Therefore, it has been classified as a Variant of Uncertain Significance.

Ambry Genetics
Classification: Likely benign. Last evaluated: 2024-06-28. Review status: criteria provided, single submitter. Criteria: Ambry Variant Classification Scheme 2023. Collection method: clinical testing. Allele origin: germline.